The following is an entry in ClinVar:

NM_000352.6(ABCC8):c.1818-2A>C

Gene: ABCC8 (ATP binding cassette subfamily C member 8; minus strand). Cytogenetic location: 11p15.1.
Variant type: single nucleotide variant.
Coding change: c.1818-2A>C on transcript NM_000352.6 (MANE Select); the canonical splice acceptor site of the intron before coding-DNA position 1818, A replaced by C.
Molecular consequence: splice acceptor variant.
Genome position (GRCh38, 1-based): chr11:17,428,672, T>G on the plus strand (A>C on the coding strand, the complement: ABCC8 is on the minus strand). VCF-style: chr11-17428672-T-G. GRCh37 (hg19) VCF-style: chr11-17450219-T-G.
Other names: c.1815-2A>C (NM_001351297.2, NM_001351296.2); c.1818-2A>C (NM_001351295.2, NM_001287174.3).
Identifiers: ClinVar variation 2696821 (VCV002696821.3), dbSNP rs2496672683, ClinGen allele CA379816119.

ClinVar aggregate classification (germline): Likely pathogenic (1 of 4 stars; one submission).

Submission:

Labcorp Genetics (formerly Invitae), Labcorp
Classification: Likely pathogenic. Last evaluated: 2023-11-17. Review status: criteria provided, single submitter. Criteria: Invitae Variant Classification Sherloc (09022015). Collection method: clinical testing. Allele origin: germline.
Comment: This sequence change affects an acceptor splice site in intron 12 of the ABCC8 gene. It is expected to disrupt RNA splicing. Variants that disrupt the donor or acceptor splice site typically lead to a loss of protein function (PMID: 16199547), and loss-of-function variants in ABCC8 are known to be pathogenic (PMID: 20685672, 23345197). This variant is not present in population databases (gnomAD no frequency). This variant has not been reported in the literature in individuals affected with ABCC8-related conditions. Algorithms developed to predict the effect of sequence changes on RNA splicing suggest that this variant may disrupt the consensus splice site. In summary, the currently available evidence indicates that the variant is pathogenic, but additional data are needed to prove that conclusively. Therefore, this variant has been classified as Likely Pathogenic.

Literature cited by the submitters: PubMed 16199547; PubMed 20685672; PubMed 23345197.